The following is an entry in ClinVar:

NM_006017.3(PROM1):c.341T>A (p.Val114Asp)

Gene: PROM1 (prominin 1; minus strand). Cytogenetic location: 4p15.32.
Variant type: single nucleotide variant.
Coding change: c.341T>A on transcript NM_006017.3 (MANE Select); coding-DNA position 341, T replaced by A.
Protein change: p.Val114Asp; replaces valine 114 with aspartic acid.
Molecular consequence: missense variant.
Genome position (GRCh38, 1-based): chr4:16,033,472, A>T on the plus strand (T>A on the coding strand, the complement: PROM1 is on the minus strand). VCF-style: chr4-16033472-A-T. GRCh37 (hg19) VCF-style: chr4-16035095-A-T.
Other names: c.314T>A, p.Val105Asp (NM_001145848.2, NM_001145851.2, NM_001145852.2 and 4 more transcripts); c.341T>A, p.Val114Asp (NM_001145849.2, NM_001145850.2); short protein forms V105D, V114D.
Identifiers: ClinVar variation 2111459 (VCV002111459.4), dbSNP rs2530800126, ClinGen allele CA356427907.
Genomic context (GRCh38, chr4:16,033,472, plus strand): 5'-CGACACATACAAAAGAAATACCCCACCAGAGGCATCAGAATAATAAACAGCAGCCCCAGG[A>T]CACAGCATAGAATAATCCCTGCTTCATAGTAGACAATCTGCAATTCAAACAAAAGAAACA-3'
Protein context (NP_006008.1, residues 104-124): YYEAGIILCC[Val114Asp]LGLLFIILMP

ClinVar aggregate classification (germline): Uncertain significance (1 of 4 stars; one submission).

Submission:

Labcorp Genetics (formerly Invitae), Labcorp
Classification: Uncertain significance. Last evaluated: 2022-11-15. Review status: criteria provided, single submitter. Criteria: Invitae Variant Classification Sherloc (09022015). Collection method: clinical testing. Allele origin: germline.
Comment: In summary, the available evidence is currently insufficient to determine the role of this variant in disease. Therefore, it has been classified as a Variant of Uncertain Significance. Advanced modeling of protein sequence and biophysical properties (such as structural, functional, and spatial information, amino acid conservation, physicochemical variation, residue mobility, and thermodynamic stability) performed at Invitae indicates that this missense variant is expected to disrupt PROM1 protein function. This variant has not been reported in the literature in individuals affected with PROM1-related conditions. This variant is not present in population databases (gnomAD no frequency). This sequence change replaces valine, which is neutral and non-polar, with aspartic acid, which is acidic and polar, at codon 114 of the PROM1 protein (p.Val114Asp).